The following is an entry in ClinVar:

ClinVar aggregate classification (germline): Uncertain significance (1 of 4 stars; one submission).

Submission:

Labcorp Genetics (formerly Invitae), Labcorp
Classification: Uncertain significance. Last evaluated: 2023-08-23. Review status: criteria provided, single submitter. Criteria: Invitae Variant Classification Sherloc (09022015). Collection method: clinical testing. Allele origin: germline.
Comment: In summary, the available evidence is currently insufficient to determine the role of this variant in disease. Therefore, it has been classified as a Variant of Uncertain Significance. An algorithm developed to predict the effect of missense changes on protein structure and function (PolyPhen-2) suggests that this variant is likely to be tolerated. This variant has not been reported in the literature in individuals affected with SLC19A1-related conditions. This variant is not present in population databases (gnomAD no frequency). This sequence change replaces serine, which is neutral and polar, with asparagine, which is neutral and polar, at codon 499 of the SLC19A1 protein (p.Ser499Asn).

NM_194255.4(SLC19A1):c.1496G>A (p.Ser499Asn)

Gene: SLC19A1 (solute carrier family 19 member 1; minus strand). Cytogenetic location: 21q22.3.
Variant type: single nucleotide variant.
Coding change: c.1496G>A on transcript NM_194255.4 (MANE Select); coding-DNA position 1496, G replaced by A.
Protein change: p.Ser499Asn; replaces serine 499 with asparagine.
Molecular consequence: missense variant. On other transcripts: intron variant (2).
Genome position (GRCh38, 1-based): chr21:45,515,938, C>T on the plus strand (G>A on the coding strand, the complement: SLC19A1 is on the minus strand). VCF-style: chr21-45515938-C-T. GRCh37 (hg19) VCF-style: chr21-46935852-C-T.
Other names: c.1376G>A, p.Ser459Asn (NM_001205207.3); c.1142G>A, p.Ser381Asn (NM_001352510.2); c.1496G>A, p.Ser499Asn (NM_001352512.2); c.1294-786G>A (NM_001352511.3, NM_001205206.4); short protein forms S459N, S499N, S381N.
Identifiers: ClinVar variation 2879526 (VCV002879526.3), dbSNP rs2517972563, ClinGen allele CA410504097.